The following is an entry in ClinVar:

ClinVar aggregate classification (germline): Benign/Likely benign. Review status: criteria provided, multiple submitters, no conflicts (2 of 4 stars). 2 submissions from 2 submitters: Benign (1); Likely benign (1). Last evaluated 2025-03-18.

Conditions:
Juvenile polyposis syndrome (JPS). Identifiers: Orphanet 2929, MedGen C0345893, MONDO:0017380, OMIM 174900.
Juvenile polyposis/hereditary hemorrhagic telangiectasia syndrome (JPHT). Also called: Juvenile Polyposis Syndrome / Hereditary Hemorrhagic Telangiectasia (JPS/HHT); JP/HHT SYNDROME; JUVENILE POLYPOSIS WITH HEREDITARY HEMORRHAGIC TELANGIECTASIA; POLYPOSIS, GENERALIZED JUVENILE, WITH PULMONARY ARTERIOVENOUS MALFORMATION; TELANGIECTASIA, HEREDITARY HEMORRHAGIC, WITH JUVENILE POLYPOSIS COLI. Identifiers: Orphanet 2929, MedGen C1832942, MONDO:0008278, OMIM 175050.

Submissions (2):

Myriad Genetics, Inc.
Classification: Benign for Juvenile polyposis/hereditary hemorrhagic telangiectasia syndrome. Last evaluated: 2025-03-18. Review status: criteria provided, single submitter. Criteria: Myriad Autosomal Dominant, Autosomal Recessive and X-Linked Classification Criteria (2023). Collection method: clinical testing. Allele origin: unknown.
Comment: This variant is considered benign. This variant is a silent/synonymous amino acid change and it is not expected to impact splicing.

Labcorp Genetics (formerly Invitae), Labcorp
Classification: Likely benign for Juvenile polyposis syndrome. Last evaluated: 2021-08-23. Review status: criteria provided, single submitter. Criteria: Invitae Variant Classification Sherloc (09022015). Collection method: clinical testing. Allele origin: germline.

NM_005359.6(SMAD4):c.225G>A (p.Gln75=)

Gene: SMAD4 (SMAD family member 4; plus strand). Cytogenetic location: 18q21.2.
Variant type: single nucleotide variant.
Coding change: c.225G>A on transcript NM_005359.6 (MANE Select); coding-DNA position 225, G replaced by A.
Protein change: p.Gln75=; no amino-acid change (glutamine 75 retained).
Molecular consequence: synonymous variant.
Genome position (GRCh38, 1-based): chr18:51,047,271, G>A. VCF-style: chr18-51047271-G-A. GRCh37 (hg19) VCF-style: chr18-48573641-G-A.
Identifiers: ClinVar variation 1567744 (VCV001567744.9), dbSNP rs2144401822, ClinGen allele CA503873505.